The following is an entry in ClinVar:

ClinVar aggregate classification (germline): Uncertain significance (1 of 4 stars; one submission).

Conditions:
Progressive myoclonic epilepsy type 7. Identifiers: Orphanet 435438, MedGen C4015420, MONDO:0014521, OMIM 616187.

Allele frequency attached by ClinVar (database versions not stated): gnomAD 0.00001.
gnomAD v4.1: 6 of 1,551,442 alleles (0.00039%); highest among the groups gnomAD compares: Non-Finnish European, 0.00052%; no homozygotes.

Submission:

Labcorp Genetics (formerly Invitae), Labcorp
Classification: Uncertain significance for Progressive myoclonic epilepsy type 7. Last evaluated: 2024-12-18. Review status: criteria provided, single submitter. Criteria: Invitae Variant Classification Sherloc (09022015). Collection method: clinical testing. Allele origin: germline.
Comment: This sequence change replaces methionine, which is neutral and non-polar, with leucine, which is neutral and non-polar, at codon 577 of the KCNC1 protein (p.Met577Leu). This variant is not present in population databases (gnomAD no frequency). This variant has not been reported in the literature in individuals affected with KCNC1-related conditions. ClinVar contains an entry for this variant (Variation ID: 848088). Invitae Evidence Modeling of protein sequence and biophysical properties (such as structural, functional, and spatial information, amino acid conservation, physicochemical variation, residue mobility, and thermodynamic stability) indicates that this missense variant is not expected to disrupt KCNC1 protein function with a negative predictive value of 95%. In summary, the available evidence is currently insufficient to determine the role of this variant in disease. Therefore, it has been classified as a Variant of Uncertain Significance.

NM_001112741.2(KCNC1):c.1729A>C (p.Met577Leu)

Gene: KCNC1 (potassium voltage-gated channel subfamily C member 1; plus strand). Cytogenetic location: 11p15.1.
Variant type: single nucleotide variant.
Coding change: c.1729A>C on transcript NM_001112741.2 (MANE Select); coding-DNA position 1729, A replaced by C.
Protein change: p.Met577Leu; replaces methionine 577 with leucine.
Molecular consequence: missense variant.
Genome position (GRCh38, 1-based): chr11:17,781,705, A>C. VCF-style: chr11-17781705-A-C. GRCh37 (hg19) VCF-style: chr11-17803252-A-C.
Other names: short protein forms M577L.
Identifiers: ClinVar variation 848088 (VCV000848088.10), dbSNP rs755441537, ClinGen allele CA379815786.
Genomic context (GRCh38, chr11:17,781,705, plus strand): 5'-TGTTAATTGTATTCTTTACATACAGATCTTTGCAAAGAAAGCCCTGTCATTGCTAAGTAT[A>C]TGCCGACAGAGGCTGTGAGAGTGACTTGACCAGGCGGCTTGGCCGAGGACACTGGTGGCT-3'
Protein context (NP_001106212.1, residues 567-585): CKESPVIAKY[Met577Leu]PTEAVRVT